The following is an entry in ClinVar:

NM_001735.3(C5):c.2917A>T (p.Ile973Phe)

Gene: C5 (complement C5; minus strand). Cytogenetic location: 9q33.2.
Variant type: single nucleotide variant.
Coding change: c.2917A>T on transcript NM_001735.3 (MANE Select); coding-DNA position 2917, A replaced by T.
Protein change: p.Ile973Phe; replaces isoleucine 973 with phenylalanine.
Molecular consequence: missense variant.
Genome position (GRCh38, 1-based): chr9:120,991,215, T>A on the plus strand (A>T on the coding strand, the complement: C5 is on the minus strand). VCF-style: chr9-120991215-T-A. GRCh37 (hg19) VCF-style: chr9-123753493-T-A.
Other names: c.2935A>T, p.Ile979Phe (NM_001317163.2); short protein forms I979F, I973F.
Identifiers: ClinVar variation 1952400 (VCV001952400.5), dbSNP rs2540402253, ClinGen allele CA374734612.

ClinVar aggregate classification (germline): Uncertain significance (1 of 4 stars; one submission).

Submission:

Labcorp Genetics (formerly Invitae), Labcorp
Classification: Uncertain significance. Last evaluated: 2022-06-26. Review status: criteria provided, single submitter. Criteria: Invitae Variant Classification Sherloc (09022015). Collection method: clinical testing. Allele origin: germline.
Comment: Algorithms developed to predict the effect of missense changes on protein structure and function are either unavailable or do not agree on the potential impact of this missense change (SIFT: "Deleterious"; PolyPhen-2: "Benign"; Align-GVGD: "Class C0"). In summary, the available evidence is currently insufficient to determine the role of this variant in disease. Therefore, it has been classified as a Variant of Uncertain Significance. This variant has not been reported in the literature in individuals affected with C5-related conditions. This variant is not present in population databases (gnomAD no frequency). This sequence change replaces isoleucine, which is neutral and non-polar, with phenylalanine, which is neutral and non-polar, at codon 973 of the C5 protein (p.Ile973Phe).